The following is an entry in ClinVar:

ClinVar aggregate classification (germline): Pathogenic (1 of 4 stars; one submission).

Conditions:
LEPR-related disorder. Also called: LEPR-related condition; LEPR-related disorders.

Submission:

PreventionGenetics, part of Exact Sciences
Classification: Pathogenic for LEPR-related condition. Last evaluated: 2026-05-27. Review status: criteria provided, single submitter. Criteria: ACMG Guidelines, 2015. Collection method: clinical testing. Allele origin: germline.
Comment: The LEPR c.2131dupA variant is predicted to result in a frameshift and premature protein termination (p.Thr711Asnfs*18). This variant has been reported in the compound heterozygous state in two siblings with severe obesity (Huvenne et al. 2015. PubMed ID: 25751111). This variant has not been reported in a large population database (gnomAD), indicating this variant is rare. Frameshift variants in LEPR are expected to be pathogenic. This variant is interpreted as pathogenic.

NM_002303.6(LEPR):c.2131dup (p.Thr711fs)

Genes: LEPR (leptin receptor; plus strand), LOC122094844 (Sharpr-MPRA regulatory region 5730; plus strand). Cytogenetic location: 1p31.3.
Variant type: Duplication.
Coding change: c.2131dup on transcript NM_002303.6 (MANE Select); coding-DNA position 2131, one base duplicated (A; older notation c.2131dupA).
Protein change: p.Thr711fs; shifts the reading frame from threonine 711.
Molecular consequence: frameshift variant.
Genome position (GRCh38, 1-based): chr1:65,616,143, A duplicated. VCF-style (leftmost placement, unchanged base first): chr1-65616142-T-TA. GRCh37 (hg19) VCF-style: chr1-66081825-T-TA.
Other names: c.2131dup, p.Thr711fs (NM_001003679.3, NM_001003680.3, NM_001198687.2 and 2 more transcripts); c.2131dupA (NM_002303.5); short protein forms T711fs.
Identifiers: ClinVar variation 4979212 (VCV004979212.1).